The following is an entry in ClinVar:

ClinVar aggregate classification (germline): Uncertain significance (1 of 4 stars; one submission).

Submission:

Labcorp Genetics (formerly Invitae), Labcorp
Classification: Uncertain significance. Last evaluated: 2020-02-19. Review status: criteria provided, single submitter. Criteria: Invitae Variant Classification Sherloc (09022015). Collection method: clinical testing. Allele origin: germline.
Comment: This variant is not present in population databases (ExAC no frequency). This sequence change replaces tyrosine with asparagine at codon 2194 of the POLE protein (p.Tyr2194Asn). The tyrosine residue is moderately conserved and there is a large physicochemical difference between tyrosine and asparagine. In summary, the available evidence is currently insufficient to determine the role of this variant in disease. Therefore, it has been classified as a Variant of Uncertain Significance. Algorithms developed to predict the effect of missense changes on protein structure and function are either unavailable or do not agree on the potential impact of this missense change (SIFT: "Deleterious"; PolyPhen-2: "Probably Damaging"; Align-GVGD: "Class C0"). This variant has not been reported in the literature in individuals with POLE-related conditions.

NM_006231.4(POLE):c.6580T>A (p.Tyr2194Asn)

Gene: POLE (DNA polymerase epsilon, catalytic subunit; minus strand). Cytogenetic location: 12q24.33.
Variant type: single nucleotide variant.
Coding change: c.6580T>A on transcript NM_006231.4 (MANE Select); coding-DNA position 6580, T replaced by A.
Protein change: p.Tyr2194Asn; replaces tyrosine 2194 with asparagine.
Molecular consequence: missense variant.
Genome position (GRCh38, 1-based): chr12:132,625,722, A>T on the plus strand (T>A on the coding strand, the complement: POLE is on the minus strand). VCF-style: chr12-132625722-A-T. GRCh37 (hg19) VCF-style: chr12-133202308-A-T.
Other names: short protein forms Y2194N.
Identifiers: ClinVar variation 1041787 (VCV001041787.9), dbSNP rs2041824954, ClinGen allele CA387366744.